The following is an entry in ClinVar:

NM_020401.4(NUP107):c.1998+79C>T

Gene: NUP107 (nucleoporin 107; plus strand). Cytogenetic location: 12q15.
Variant type: single nucleotide variant.
Coding change: c.1998+79C>T on transcript NM_020401.4 (MANE Select); 79 bases into the intron after coding-DNA position 1998, C replaced by T.
Molecular consequence: intron variant.
Genome position (GRCh38, 1-based): chr12:68,731,798, C>T. VCF-style: chr12-68731798-C-T. GRCh37 (hg19) VCF-style: chr12-69125578-C-T.
Other names: c.1911+79C>T (NM_001330192.2).
Identifiers: ClinVar variation 1273634 (VCV001273634.4), dbSNP rs7976687, ClinGen allele CA15730433.

ClinVar aggregate classification (germline): Benign. Review status: criteria provided, multiple submitters, no conflicts (2 of 4 stars). 3 submissions from 3 submitters: Benign (3). Last evaluated 2024-07-15.

Allele frequency attached by ClinVar (database versions not stated): gnomAD 0.21443 and 0.21743; TOPMed 0.21482; 1000 Genomes Project 30x 0.21674; 1000 Genomes Project 0.22045; gnomAD exomes 0.26683.
gnomAD v4.1: 204,061 of 793,024 alleles (26%); highest among the groups gnomAD compares: Middle Eastern, 30%; 27,603 homozygotes.

Submissions (3):

Unidad de Genómica Garrahan, Hospital de Pediatría Garrahan
Classification: Benign. Last evaluated: 2024-07-15. Review status: criteria provided, single submitter. Criteria: ACMG Guidelines, 2015. Collection method: clinical testing. Allele origin: germline. Affected: no. Observed: 26 variant alleles.
Comment: This variant is classified as Benign based on local population frequency. This variant was detected in 28% of patients studied in a panel designed for Epileptic and Developmental Encephalopathy and Progressive Myoclonus Epilepsy. Number of patients: 26. Only high quality variants are reported.

GeneDx
Classification: Benign. Last evaluated: 2019-10-25. Review status: criteria provided, single submitter. Criteria: GeneDx Variant Classification Process June 2021. Collection method: clinical testing. Allele origin: germline. Affected: yes.

Breakthrough Genomics
Classification: Benign. Review status: criteria provided, single submitter. Criteria: ACMG Guidelines, 2015. Collection method: not provided. Allele origin: germline. Inheritance: Autosomal recessive inheritance. Affected: yes.